The following is an entry in ClinVar:

ClinVar aggregate classification (germline): Likely pathogenic (1 of 4 stars; one submission).

Allele frequency attached by ClinVar (database versions not stated): gnomAD exomes below 0.00001; TOPMed below 0.00001; gnomAD 0.00001.
gnomAD v4.1: 7 of 1,614,014 alleles (0.00043%); highest among the groups gnomAD compares: Non-Finnish European, 0.00051%; no homozygotes.

Submission:

GeneDx
Classification: Likely pathogenic. Last evaluated: 2024-07-12. Review status: criteria provided, single submitter. Criteria: GeneDx Variant Classification Process June 2021. Collection method: clinical testing. Allele origin: germline. Affected: yes.
Comment: Not observed at significant frequency in large population cohorts (gnomAD); In silico analysis supports that this missense variant has a deleterious effect on protein structure/function; Has not been previously published as pathogenic or benign to our knowledge

NM_020686.6(ABAT):c.991G>A (p.Gly331Arg)

Gene: ABAT (4-aminobutyrate aminotransferase; plus strand). Cytogenetic location: 16p13.2.
Variant type: single nucleotide variant.
Coding change: c.991G>A on transcript NM_020686.6 (MANE Select); coding-DNA position 991, G replaced by A.
Protein change: p.Gly331Arg; replaces glycine 331 with arginine.
Molecular consequence: missense variant.
Genome position (GRCh38, 1-based): chr16:8,774,926, G>A. VCF-style: chr16-8774926-G-A. GRCh37 (hg19) VCF-style: chr16-8868783-G-A.
Other names: c.991G>A, p.Gly331Arg (NM_000663.5, NM_001127448.2, NM_001386600.1 and 6 more transcripts); c.952G>A, p.Gly318Arg (NM_001386605.1); c.928G>A, p.Gly310Arg (NM_001386606.1, NM_001386607.1); c.898G>A, p.Gly300Arg (NM_001386608.1); c.856G>A, p.Gly286Arg (NM_001386610.1, NM_001386611.1); c.793G>A, p.Gly265Arg (NM_001386612.1, NM_001386613.1); c.745G>A, p.Gly249Arg (NM_001386614.1); c.1087G>A, p.Gly363Arg (NM_001386615.1); short protein forms G331R, G249R, G265R, G286R, G300R, G310R, G318R, G363R.
Identifiers: ClinVar variation 423434 (VCV000423434.2), dbSNP rs1064796422, ClinGen allele CA16620279.
Genomic context (GRCh38, chr16:8,774,926, plus strand): 5'-CCCTCCTCTCTCTTCTCCGGCCAGCATGGCTGCGCCTTCTTGGTGGACGAGGTCCAGACC[G>A]GAGGAGGCTGCACGGGCAAGTTCTGGGCCCATGAGCACTGGGGCCTGGATGACCCAGCAG-3'
Protein context (NP_065737.2, residues 321-341): CAFLVDEVQT[Gly331Arg]GGCTGKFWAH